The following is an entry in ClinVar:

NM_006265.3(RAD21):c.839C>G (p.Ser280Ter)

Gene: RAD21 (RAD21 cohesin complex component; minus strand). Cytogenetic location: 8q24.11.
Variant type: single nucleotide variant.
Coding change: c.839C>G on transcript NM_006265.3 (MANE Select); coding-DNA position 839, C replaced by G.
Protein change: p.Ser280Ter; replaces serine 280 with a stop codon.
Molecular consequence: nonsense.
Genome position (GRCh38, 1-based): chr8:116,856,264, G>C on the plus strand (C>G on the coding strand, the complement: RAD21 is on the minus strand). VCF-style: chr8-116856264-G-C. GRCh37 (hg19) VCF-style: chr8-117868503-G-C.
Other names: short protein forms S280*.
Identifiers: ClinVar variation 3632951 (VCV003632951.2).

ClinVar aggregate classification (germline): Pathogenic (1 of 4 stars; one submission).

Conditions:
Cornelia de Lange syndrome 4 (CDLS4). Also called: RAD21-Related Cornelia de Lange Syndrome; CORNELIA DE LANGE SYNDROME 4 WITH OR WITHOUT MIDLINE BRAIN DEFECTS. Identifiers: Orphanet 199, MedGen C3553517, MONDO:0013864, OMIM 614701.

Submission:

Labcorp Genetics (formerly Invitae), Labcorp
Classification: Pathogenic for Cornelia de Lange syndrome 4. Last evaluated: 2024-02-20. Review status: criteria provided, single submitter. Criteria: Invitae Variant Classification Sherloc (09022015). Collection method: clinical testing. Allele origin: germline.
Comment: This sequence change creates a premature translational stop signal (p.Ser280*) in the RAD21 gene. It is expected to result in an absent or disrupted protein product. Loss-of-function variants in RAD21 are known to be pathogenic (PMID: 22633399, 24378232, 27620904, 27882533). This variant is not present in population databases (gnomAD no frequency). This variant has not been reported in the literature in individuals affected with RAD21-related conditions. For these reasons, this variant has been classified as Pathogenic.

Literature cited by the submitters: PubMed 22633399; PubMed 24378232; PubMed 27620904; PubMed 27882533.